The following is an entry in ClinVar:

ClinVar aggregate classification (germline): Uncertain significance (1 of 4 stars; one submission).

Conditions:
Cardiovascular phenotype. Identifiers: MedGen CN230736.
Hereditary cancer-predisposing syndrome. Also called: Hereditary neoplastic syndrome; Neoplastic Syndromes, Hereditary; Tumor predisposition; Hereditary Cancer Syndrome. Identifiers: Orphanet 140162, MedGen C0027672, MeSH D009386, MONDO:0015356.

Submission:

Ambry Genetics
Classification: Uncertain significance for Cardiovascular phenotype; Hereditary cancer-predisposing syndrome. Last evaluated: 2025-09-03. Review status: criteria provided, single submitter. Criteria: Ambry Variant Classification Scheme 2023. Collection method: clinical testing. Allele origin: germline.
Comment: The p.Y1668N variant (also known as c.5002T>A), located in coding exon 36 of the NF1 gene, results from a T to A substitution at nucleotide position 5002. The tyrosine at codon 1668 is replaced by asparagine, an amino acid with dissimilar properties. This amino acid position is conserved. In addition, this alteration is predicted to be deleterious by in silico analysis. Based on the available evidence, the clinical significance of this variant remains unclear.

NM_001042492.3(NF1):c.5065T>A (p.Tyr1689Asn)

Gene: NF1 (neurofibromin 1; plus strand). Cytogenetic location: 17q11.2.
Variant type: single nucleotide variant.
Coding change: c.5065T>A on transcript NM_001042492.3 (MANE Select); coding-DNA position 5065, T replaced by A.
Protein change: p.Tyr1689Asn; replaces tyrosine 1689 with asparagine.
Molecular consequence: missense variant.
Genome position (GRCh38, 1-based): chr17:31,326,049, T>A. VCF-style: chr17-31326049-T-A. GRCh37 (hg19) VCF-style: chr17-29653067-T-A.
Other names: c.5002T>A, p.Tyr1668Asn (NM_000267.4); short protein forms Y1668N, Y1689N.
Identifiers: ClinVar variation 4119183 (VCV004119183.1).
Genomic context (GRCh38, chr17:31,326,049, plus strand): 5'-TTTGCTTACGACAACGTCTCCGCAGTCTATATCTATAACTGTAACTCCTGGGTCAGGGAG[T>A]ACACCAAGTATCATGAGCGGCTGCTGACTGGCCTCAAAGGTAGCAAAAGGCTTGTTTTCA-3'
Protein context (NP_001035957.1, residues 1679-1699): IYNCNSWVRE[Tyr1689Asn]TKYHERLLTG